The following is an entry in ClinVar:

NM_004656.4(BAP1):c.1450C>G (p.Pro484Ala)

Gene: BAP1 (BRCA1 associated deubiquitinase 1; minus strand). Cytogenetic location: 3p21.1.
Variant type: single nucleotide variant.
Coding change: c.1450C>G on transcript NM_004656.4 (MANE Select); coding-DNA position 1450, C replaced by G.
Protein change: p.Pro484Ala; replaces proline 484 with alanine.
Molecular consequence: missense variant.
Genome position (GRCh38, 1-based): chr3:52,403,695, G>C on the plus strand (C>G on the coding strand, the complement: BAP1 is on the minus strand). VCF-style: chr3-52403695-G-C. GRCh37 (hg19) VCF-style: chr3-52437711-G-C.
Other names: c.1396C>G, p.Pro466Ala (NM_001410772.1); short protein forms P466A, P484A.
Identifiers: ClinVar variation 2012931 (VCV002012931.4), dbSNP rs1705050172, ClinGen allele CA353101266.

ClinVar aggregate classification (germline): Uncertain significance (1 of 4 stars; one submission).

Conditions:
BAP1-related tumor predisposition syndrome (TPDS1). Also called: BAP1 tumor predisposition syndrome; TUMOR PREDISPOSITION SYNDROME 1; Tumor susceptibility linked to germline BAP1 mutations; COMMON Syndrome. Identifiers: Orphanet 289539, MedGen C3280492, MONDO:0013692, OMIM 614327.

Submission:

Labcorp Genetics (formerly Invitae), Labcorp
Classification: Uncertain significance for BAP1-related tumor predisposition syndrome. Last evaluated: 2022-07-01. Review status: criteria provided, single submitter. Criteria: Invitae Variant Classification Sherloc (09022015). Collection method: clinical testing. Allele origin: germline.
Comment: In summary, the available evidence is currently insufficient to determine the role of this variant in disease. Therefore, it has been classified as a Variant of Uncertain Significance. Algorithms developed to predict the effect of missense changes on protein structure and function are either unavailable or do not agree on the potential impact of this missense change (SIFT: "Deleterious"; PolyPhen-2: "Benign"; Align-GVGD: "Class C0"). This variant has not been reported in the literature in individuals affected with BAP1-related conditions. This variant is not present in population databases (gnomAD no frequency). This sequence change replaces proline, which is neutral and non-polar, with alanine, which is neutral and non-polar, at codon 484 of the BAP1 protein (p.Pro484Ala).